The following is an entry in ClinVar:

ClinVar aggregate classification (germline): Uncertain significance. Review status: criteria provided, multiple submitters, no conflicts (2 of 4 stars). 2 submissions from 2 submitters: Uncertain significance (2). Last evaluated 2025-09-28.

Allele frequency attached by ClinVar (database versions not stated): 1000 Genomes Project 0.00020; ExAC 0.00029; 1000 Genomes Project 30x 0.00031; gnomAD 0.00038; TOPMed 0.00039; ESP Exome Variant Server 0.00046; gnomAD exomes 0.00050.
gnomAD v4.1: 768 of 1,614,114 alleles (0.048%); highest among the groups gnomAD compares: Non-Finnish European, 0.061%; no homozygotes.

Submissions (2):

Labcorp Genetics (formerly Invitae), Labcorp
Classification: Uncertain significance. Last evaluated: 2025-09-28. Review status: criteria provided, single submitter. Criteria: Invitae Variant Classification Sherloc (09022015). Collection method: clinical testing. Allele origin: germline.
Comment: This sequence change replaces valine, which is neutral and non-polar, with methionine, which is neutral and non-polar, at codon 6 of the APOA4 protein (p.Val6Met). This variant is present in population databases (rs148312574, gnomAD 0.05%), and has an allele count higher than expected for a pathogenic variant. This missense change has been observed in individual(s) with dyslipidemia (PMID: 32041611). ClinVar contains an entry for this variant (Variation ID: 2138254). An algorithm developed to predict the effect of missense changes on protein structure and function outputs the following: PolyPhen-2: "Not Available". The methionine amino acid residue is found in multiple mammalian species, which suggests that this missense change does not adversely affect protein function. In summary, the available evidence is currently insufficient to determine the role of this variant in disease. Therefore, it has been classified as a Variant of Uncertain Significance.

Breakthrough Genomics
Classification: Uncertain significance. Review status: criteria provided, single submitter. Criteria: ACMG Guidelines, 2015. Collection method: not provided. Allele origin: germline. Inheritance: Unknown mechanism. Affected: yes.

Literature cited by the submitters: PubMed 32041611 (cited by Labcorp Genetics (formerly Invitae), Labcorp).

NM_000482.4(APOA4):c.16G>A (p.Val6Met)

Gene: APOA4 (apolipoprotein A4; minus strand). Cytogenetic location: 11q23.3.
Variant type: single nucleotide variant.
Coding change: c.16G>A on transcript NM_000482.4 (MANE Select); coding-DNA position 16, G replaced by A.
Protein change: p.Val6Met; replaces valine 6 with methionine.
Molecular consequence: missense variant.
Genome position (GRCh38, 1-based): chr11:116,823,176, C>T on the plus strand (G>A on the coding strand, the complement: APOA4 is on the minus strand). VCF-style: chr11-116823176-C-T. GRCh37 (hg19) VCF-style: chr11-116693892-C-T.
Other names: short protein forms V6M.
Identifiers: ClinVar variation 2138254 (VCV002138254.5), dbSNP rs148312574, ClinGen allele CA6289573.